The following is an entry in ClinVar:

NM_019594.4(LRRC8A):c.2246G>C (p.Arg749Thr)

Gene: LRRC8A (leucine rich repeat containing 8 VRAC subunit A; plus strand). Cytogenetic location: 9q34.11.
Variant type: single nucleotide variant.
Coding change: c.2246G>C on transcript NM_019594.4 (MANE Select); coding-DNA position 2246, G replaced by C.
Protein change: p.Arg749Thr; replaces arginine 749 with threonine.
Molecular consequence: missense variant.
Genome position (GRCh38, 1-based): chr9:128,916,184, G>C. VCF-style: chr9-128916184-G-C. GRCh37 (hg19) VCF-style: chr9-131678463-G-C.
Other names: c.2246G>C, p.Arg749Thr (NM_001127244.2, NM_001127245.2); short protein forms R749T.
Identifiers: ClinVar variation 4753916 (VCV004753916.1).
Genomic context (GRCh38, chr9:128,916,184, plus strand): 5'-AGTGCCGGAAGCTGCGGGCCCTGCACCTGGGCAACAACGTGCTGCAGTCACTGCCCTCCA[G>C]GGTGGGCGAGCTGACCAACCTGACGCAGATCGAGCTGCGGGGCAACCGGCTGGAGTGCCT-3'
Protein context (NP_062540.2, residues 739-759): GNNVLQSLPS[Arg749Thr]VGELTNLTQI

ClinVar aggregate classification (germline): Uncertain significance (1 of 4 stars; one submission).

Submission:

Labcorp Genetics (formerly Invitae), Labcorp
Classification: Uncertain significance. Last evaluated: 2025-05-24. Review status: criteria provided, single submitter. Criteria: Invitae Variant Classification Sherloc (09022015). Collection method: clinical testing. Allele origin: germline.
Comment: This sequence change replaces arginine, which is basic and polar, with threonine, which is neutral and polar, at codon 749 of the LRRC8A protein (p.Arg749Thr). This variant is not present in population databases (gnomAD no frequency). This variant has not been reported in the literature in individuals affected with LRRC8A-related conditions. An algorithm developed to predict the effect of missense changes on protein structure and function (PolyPhen-2) suggests that this variant is likely to be disruptive. In summary, the available evidence is currently insufficient to determine the role of this variant in disease. Therefore, it has been classified as a Variant of Uncertain Significance.